The following is an entry in ClinVar:

NM_018896.5(CACNA1G):c.4802G>A (p.Arg1601Gln)

Gene: CACNA1G (calcium voltage-gated channel subunit alpha1 G; plus strand). Cytogenetic location: 17q21.33.
Variant type: single nucleotide variant.
Coding change: c.4802G>A on transcript NM_018896.5 (MANE Select); coding-DNA position 4802, G replaced by A.
Protein change: p.Arg1601Gln; replaces arginine 1601 with glutamine.
Molecular consequence: missense variant. On other transcripts: non-coding transcript variant (5).
Genome position (GRCh38, 1-based): chr17:50,615,403, G>A. VCF-style: chr17-50615403-G-A. GRCh37 (hg19) VCF-style: chr17-48692764-G-A.
Other names: c.4748G>A, p.Arg1583Gln (NM_001256324.2, NM_001256328.2, NM_198386.3); c.4823G>A, p.Arg1608Gln (NM_001256325.2); c.4667G>A, p.Arg1556Gln (NM_001256326.2, NM_001256330.2); c.4802G>A, p.Arg1601Gln (NM_001256327.2, NM_001256333.2, NM_198384.3 and 1 more transcripts); c.4700G>A, p.Arg1567Gln (NM_001256329.2, NM_198376.3, NM_198379.3 and 2 more transcripts); c.4646G>A, p.Arg1549Gln (NM_001256331.2); c.4631G>A, p.Arg1544Gln (NM_001256332.2); c.4769G>A, p.Arg1590Gln (NM_001256334.2, NM_198377.3, NM_198378.3 and 1 more transcripts); and 5 more; short protein forms R1544Q, R1549Q, R1556Q, R1560Q, R1563Q, R1565Q, R1567Q, R1574Q.
Identifiers: ClinVar variation 1326065 (VCV001326065.2), dbSNP rs2146211275, ClinGen allele CA400261282.

ClinVar aggregate classification (germline): Uncertain significance (1 of 4 stars; one submission).

Allele frequency attached by ClinVar (database versions not stated): gnomAD exomes below 0.00001.
gnomAD v4.1: 3 of 1,612,300 alleles (0.00019%); highest among the groups gnomAD compares: Non-Finnish European, 0.00025%; no homozygotes.

Submission:

GeneDx
Classification: Uncertain significance. Last evaluated: 2021-11-17. Review status: criteria provided, single submitter. Criteria: GeneDx Variant Classification Process June 2021. Collection method: clinical testing. Allele origin: germline. Affected: yes.
Comment: Not observed at significant frequency in large population cohorts (Lek et al., 2016); In silico analysis supports that this missense variant has a deleterious effect on protein structure/function; In addition, in silico splice predictors suggest this variant may lead to abnormal gene splicing; Has not been previously published as pathogenic or benign to our knowledge